The following is an entry in ClinVar:

ClinVar aggregate classification (germline): Conflicting classifications of pathogenicity. Review status: criteria provided, conflicting classifications (1 of 4 stars). 2 submissions from 2 submitters: Uncertain significance (1); Benign (1). Last evaluated 2025-06-12.

Conditions:
Developmental and epileptic encephalopathy, 66. Also called: EPILEPTIC ENCEPHALOPATHY, EARLY INFANTILE, 66. Identifiers: MedGen C4748070, MONDO:0054845, OMIM 618067.

Allele frequency attached by ClinVar (database versions not stated): gnomAD 0.00001; gnomAD exomes 0.00001; TOPMed 0.00001; ExAC 0.00003; ESP Exome Variant Server 0.00008.

Submissions (2):

Labcorp Genetics (formerly Invitae), Labcorp
Classification: Benign. Last evaluated: 2025-06-12. Review status: criteria provided, single submitter. Criteria: Invitae Variant Classification Sherloc (09022015). Collection method: clinical testing. Allele origin: germline.

New York Genome Center
Classification: Uncertain significance for Developmental and epileptic encephalopathy, 66. Last evaluated: 2020-09-23. Review status: criteria provided, single submitter. Criteria: NYGC Assertion Criteria 2020. Collection method: clinical testing. Allele origin: germline. Observed: 1 heterozygote. Study: CSER-NYCKidSeq.
Comment: The heterozygous p.Ala276Val variant identified in PACS2 has not been reported in affected individuals in the available literature. The variant has 0.00000657 allele frequency in the gnomAD(v3) database (1 out of 152,158 heterozygous alleles) indicating it is an extremely rare allele in the populations represented in this database. The affected Ala276 residue is not well conserved and in silico prediction tools provide conflicting interpretations about potential pathogenicity of this variant. Based on available evidence, the p.Ala276Val variant in the PACS2 gene is assessed as a variant of uncertain significance.

NM_001100913.3(PACS2):c.827C>T (p.Ala276Val)

Gene: PACS2 (phosphofurin acidic cluster sorting protein 2; plus strand). Cytogenetic location: 14q32.33.
Variant type: single nucleotide variant.
Coding change: c.827C>T on transcript NM_001100913.3 (MANE Select); coding-DNA position 827, C replaced by T.
Protein change: p.Ala276Val; replaces alanine 276 with valine.
Molecular consequence: missense variant.
Genome position (GRCh38, 1-based): chr14:105,376,793, C>T. VCF-style: chr14-105376793-C-T. GRCh37 (hg19) VCF-style: chr14-105843130-C-T.
Other names: c.602C>T, p.Ala201Val (NM_001243127.3); c.827C>T, p.Ala276Val (NM_015197.4); short protein forms A201V, A276V.
Identifiers: ClinVar variation 1213703 (VCV001213703.9), dbSNP rs377732984, ClinGen allele CA7388607.